The following is an entry in ClinVar:

ClinVar aggregate classification (germline): Uncertain significance (1 of 4 stars; one submission).

gnomAD v4.1: 2 of 1,614,066 alleles (0.00012%); highest among the groups gnomAD compares: Admixed American, 0.0017%; no homozygotes.

Submission:

Labcorp Genetics (formerly Invitae), Labcorp
Classification: Uncertain significance. Last evaluated: 2025-05-08. Review status: criteria provided, single submitter. Criteria: Invitae Variant Classification Sherloc (09022015). Collection method: clinical testing. Allele origin: germline.
Comment: This sequence change falls in intron 5 of the NPAT gene. It does not directly change the encoded amino acid sequence of the NPAT protein. This variant is not present in population databases (gnomAD no frequency). This variant has not been reported in the literature in individuals affected with NPAT-related conditions. Algorithms developed to predict the effect of sequence changes on RNA splicing suggest that this variant may disrupt the consensus splice site. In summary, the available evidence is currently insufficient to determine the role of this variant in disease. Therefore, it has been classified as a Variant of Uncertain Significance.

NM_002519.3(NPAT):c.332-5T>G

Gene: NPAT (nuclear protein, coactivator of histone transcription; minus strand). Cytogenetic location: 11q22.3.
Variant type: single nucleotide variant.
Coding change: c.332-5T>G on transcript NM_002519.3 (MANE Select); 5 bases into the intron before coding-DNA position 332, T replaced by G.
Molecular consequence: intron variant.
Genome position (GRCh38, 1-based): chr11:108,189,335, A>C on the plus strand (T>G on the coding strand, the complement: NPAT is on the minus strand). VCF-style: chr11-108189335-A-C. GRCh37 (hg19) VCF-style: chr11-108060062-A-C.
Other names: c.332-5T>G (NM_001321307.1).
Identifiers: ClinVar variation 4766755 (VCV004766755.1).
Genomic context (GRCh38, chr11:108,189,335, plus strand): 5'-TTGAGATGCAAGCTTTCTCTGCCGTTTGATTTCTGCAATTCCAGTTCTCGTTCGGGCTGA[A>C]ACATATAAGCATTTAAAAAACAAATTCAACGTCAGGGTAGTTTGGGAATTGTAAGAAGTC-3'